The following is an entry in ClinVar:

NM_004409.5(DMPK):c.*224CTG[260]

Genes: DM1-AS (DM1 locus antisense RNA; plus strand), DMPK (DM1 protein kinase; minus strand), LOC107075317 (origin of replication in DMPK trinucleotide repeat region; plus strand), LOC109461477 (dystrophia myotonica protein kinase repeat instability region; plus strand). Cytogenetic location: 19q13.32.
Variant type: Microsatellite.
Coding change: c.*224CTG[260] on transcript NM_004409.5 (MANE Select); 260 copies in a row of the 3-base unit CTG starting at c.*224.
Molecular consequence: 3 prime UTR variant.
Genome position: GRCh38, VCF-style position (the base before the change): chr19:45,770,204. GRCh37 (hg19), VCF-style position (the base before the change): chr19:46,273,462.
Other names: DM1 CTG repeat expansion; c.*224CTG[260] (NM_001081560.3, NM_001288764.2, NM_001424165.1 and 1 more transcripts); c.*217CTG[260] (NM_001081562.3, NM_001288765.2, NM_001424162.1 and 2 more transcripts); c.*222_*224TGC[260] (NM_001081563.3); c.*369CTG[260] (NM_001288766.2, NM_001424164.1, NM_001424168.1).
Identifiers: ClinVar variation 187948 (VCV000187948.1), ClinGen allele CA915951746.

ClinVar aggregate classification (germline): Pathogenic (0 of 4 stars; one submission).

Conditions:
Steinert myotonic dystrophy syndrome (DM1). Also called: STEINERT DISEASE; Myotonic dystrophy type 1; Dystrophia myotonica type 1; Steinert myotonic dystrophy; Steinert's disease. Identifiers: Orphanet 273, MedGen C3250443, MONDO:0008056, OMIM 160900.

Submission:

Institute of Molecular, Cell and Systems Biology, University of Glasgow
Classification: Pathogenic for Steinert myotonic dystrophy syndrome. Review status: no assertion criteria provided. Criteria: research. Collection method: research. Allele origin: germline. Inheritance: Autosomal dominant inheritance. Affected: yes. Observed: 1 heterozygote.
Comment: DMPK CTG repeat expansions greater than approximately 45-50 repeats are assumed to be pathogenic

This record is based on data published in PubMed 25052313, which reports only ClinVar accessions SCV000120188 and SCV000120189. The complete data set includes SCV000207445 - SCV000207579.

Literature cited by the submitters: PubMed 1346923; PubMed 1546326; PubMed 25052313.